The following is an entry in ClinVar:

ClinVar aggregate classification (germline): Uncertain significance (1 of 4 stars; one submission).

Conditions:
Arrhythmogenic right ventricular dysplasia 11. Also called: Arrhythmogenic right ventricular dysplasia 11 with mild palmoplantar keratoderma and woolly hair; Arrhythmogenic Right Ventricular Dysplasia/Cardiomyopathy11; ARRHYTHMOGENIC RIGHT VENTRICULAR DYSPLASIA, FAMILIAL, 11. Identifiers: MedGen C1864850, MONDO:0012506, OMIM 610476.

gnomAD v4.1: 4 of 1,613,530 alleles (0.00025%); highest among the groups gnomAD compares: Non-Finnish European, 0.00034%; no homozygotes.

Submission:

Labcorp Genetics (formerly Invitae), Labcorp
Classification: Uncertain significance for Arrhythmogenic right ventricular dysplasia 11. Last evaluated: 2021-08-24. Review status: criteria provided, single submitter. Criteria: Invitae Variant Classification Sherloc (09022015). Collection method: clinical testing. Allele origin: germline.
Comment: This sequence change replaces isoleucine with valine at codon 343 of the DSC2 protein (p.Ile343Val). The isoleucine residue is highly conserved and there is a small physicochemical difference between isoleucine and valine. In summary, the available evidence is currently insufficient to determine the role of this variant in disease. Therefore, it has been classified as a Variant of Uncertain Significance. Algorithms developed to predict the effect of missense changes on protein structure and function are either unavailable or do not agree on the potential impact of this missense change (SIFT: "Tolerated"; PolyPhen-2: "Possibly Damaging"; Align-GVGD: "Class C0"). This variant has not been reported in the literature in individuals affected with DSC2-related conditions. This variant is not present in population databases (ExAC no frequency).

NM_024422.6(DSC2):c.1027A>G (p.Ile343Val)

Gene: DSC2 (desmocollin 2; minus strand). Cytogenetic location: 18q12.1.
Variant type: single nucleotide variant.
Coding change: c.1027A>G on transcript NM_024422.6 (MANE Select); coding-DNA position 1027, A replaced by G.
Protein change: p.Ile343Val; replaces isoleucine 343 with valine.
Molecular consequence: missense variant.
Genome position (GRCh38, 1-based): chr18:31,082,976, T>C on the plus strand (A>G on the coding strand, the complement: DSC2 is on the minus strand). VCF-style: chr18-31082976-T-C. GRCh37 (hg19) VCF-style: chr18-28662942-T-C.
Other names: c.1027A>G, p.Ile343Val (NM_004949.5); short protein forms I343V.
Identifiers: ClinVar variation 1515021 (VCV001515021.6), dbSNP rs1409325550, ClinGen allele CA402110575.